The following is an entry in ClinVar:

ClinVar aggregate classification (germline): Uncertain significance. Review status: criteria provided, multiple submitters, no conflicts (2 of 4 stars). 3 submissions from 3 submitters: Uncertain significance (3). Last evaluated 2025-06-06.

Conditions:
Pierson syndrome. Also called: MICROCORIA-CONGENITAL NEPHROTIC SYNDROME. Identifiers: Orphanet 2670, MedGen C1836876, MONDO:0012184, OMIM 609049.
LAMB2-related infantile-onset nephrotic syndrome. Also called: NEPHROTIC SYNDROME, TYPE 5, WITHOUT OCULAR ABNORMALITIES; NEPHROTIC SYNDROME, TYPE 5, WITH OCULAR ABNORMALITIES; Nephrotic Syndrome, type 5. Identifiers: Orphanet 306507, MedGen C3280113, MONDO:0013621, OMIM 614199.
Inborn genetic diseases. Identifiers: MedGen C0950123, MeSH D030342.

Allele frequency attached by ClinVar (database versions not stated): gnomAD exomes below 0.00001; TOPMed 0.00001; gnomAD 0.00002.

Submissions (3):

Ambry Genetics
Classification: Uncertain significance for Inborn genetic diseases. Last evaluated: 2025-06-06. Review status: criteria provided, single submitter. Criteria: Ambry Variant Classification Scheme 2023. Collection method: clinical testing. Allele origin: germline.

Blueprint Genetics
Classification: Uncertain significance. Last evaluated: 2024-07-12. Review status: criteria provided, single submitter. Criteria: ACMG Guidelines, 2015. Collection method: clinical testing. Allele origin: germline.

Labcorp Genetics (formerly Invitae), Labcorp
Classification: Uncertain significance for LAMB2-related infantile-onset nephrotic syndrome; Pierson syndrome. Last evaluated: 2019-12-22. Review status: criteria provided, single submitter. Criteria: Invitae Variant Classification Sherloc (09022015). Collection method: clinical testing. Allele origin: germline.
Comment: This sequence change replaces glutamic acid with lysine at codon 1506 of the LAMB2 protein (p.Glu1506Lys). The glutamic acid residue is highly conserved and there is a small physicochemical difference between glutamic acid and lysine. In summary, the available evidence is currently insufficient to determine the role of this variant in disease. Therefore, it has been classified as a Variant of Uncertain Significance. Algorithms developed to predict the effect of sequence changes on RNA splicing suggest that this variant may create or strengthen a splice site, but this prediction has not been confirmed by published transcriptional studies. Algorithms developed to predict the effect of missense changes on protein structure and function (SIFT, PolyPhen-2, Align-GVGD) all suggest that this variant is likely to be disruptive, but these predictions have not been confirmed by published functional studies and their clinical significance is uncertain. This variant has not been reported in the literature in individuals with LAMB2-related conditions. This variant is not present in population databases (ExAC no frequency).

NM_002292.4(LAMB2):c.4516G>A (p.Glu1506Lys)

Gene: LAMB2 (laminin subunit beta 2; minus strand). Cytogenetic location: 3p21.31.
Variant type: single nucleotide variant.
Coding change: c.4516G>A on transcript NM_002292.4 (MANE Select); coding-DNA position 4516, G replaced by A.
Protein change: p.Glu1506Lys; replaces glutamic acid 1506 with lysine.
Molecular consequence: missense variant.
Genome position (GRCh38, 1-based): chr3:49,122,761, C>T on the plus strand (G>A on the coding strand, the complement: LAMB2 is on the minus strand). VCF-style: chr3-49122761-C-T. GRCh37 (hg19) VCF-style: chr3-49160194-C-T.
Other names: short protein forms E1506K.
Identifiers: ClinVar variation 847455 (VCV000847455.9), dbSNP rs1277967384, ClinGen allele CA352691954.